The following is an entry in ClinVar:

ClinVar aggregate classification (germline): Pathogenic/Likely pathogenic. Review status: criteria provided, multiple submitters, no conflicts (2 of 4 stars). 2 submissions from 2 submitters: Pathogenic (1); Likely pathogenic (1). Last evaluated 2024-10-18.

Conditions:
Isovaleryl-CoA dehydrogenase deficiency (IVA). Also called: IVD DEFICIENCY; ISOVALERIC ACID CoA DEHYDROGENASE DEFICIENCY; Classic Isovaleric Acidemia; Isovaleric acidemia. Identifiers: Orphanet 33, MedGen C0268575, MONDO:0009475, OMIM 243500.

gnomAD v4.1: 1 of 1,614,246 alleles (0.000062%); highest among the groups gnomAD compares: Non-Finnish European, 0.000085%; no homozygotes.

Submissions (2):

Natera, Inc.
Classification: Likely pathogenic for Isovaleryl-coa dehydrogenase deficiency. Last evaluated: 2024-10-18. Review status: criteria provided, single submitter. Criteria: Natera Variant Classification Schema (03/2026). Collection method: clinical testing. Allele origin: germline.
Comment: The c.1210G>T variant in IVD is a nonsense variant predicted to introduce a stop codon at amino acid 404. This variant is expected to result in nonsense mediated decay, truncation, or a dysfunctional protein product. This variant is rare in the general population with a frequency below the threshold expected for the associated phenotype(s). Given the available evidence, this variant is classified as Likely Pathogenic.

Labcorp Genetics (formerly Invitae), Labcorp
Classification: Pathogenic for Isovaleryl-CoA dehydrogenase deficiency. Last evaluated: 2024-03-13. Review status: criteria provided, single submitter. Criteria: Invitae Variant Classification Sherloc (09022015). Collection method: clinical testing. Allele origin: germline.
Comment: This sequence change creates a premature translational stop signal (p.Glu404*) in the IVD gene. While this is not anticipated to result in nonsense mediated decay, it is expected to disrupt the last 23 amino acid(s) of the IVD protein. This variant is not present in population databases (gnomAD no frequency). This variant has not been reported in the literature in individuals affected with IVD-related conditions. Algorithms developed to predict the effect of sequence changes on RNA splicing suggest that this variant may disrupt the consensus splice site. This variant disrupts a region of the IVD protein in which other variant(s) (p.Arg414Trp) have been determined to be pathogenic (PMID: 25220015; Invitae). This suggests that this is a clinically significant region of the protein, and that variants that disrupt it are likely to be disease-causing. For these reasons, this variant has been classified as Pathogenic.

Literature cited by the submitters: PubMed 25220015 (cited by Labcorp Genetics (formerly Invitae), Labcorp).

NM_002225.5(IVD):c.1201G>T (p.Glu401Ter)

Gene: IVD (isovaleryl-CoA dehydrogenase; plus strand). Cytogenetic location: 15q15.1.
Variant type: single nucleotide variant.
Coding change: c.1201G>T on transcript NM_002225.5 (MANE Select); coding-DNA position 1201, G replaced by T.
Protein change: p.Glu401Ter; replaces glutamic acid 401 with a stop codon.
Molecular consequence: nonsense. On other transcripts: intron variant (3).
Genome position (GRCh38, 1-based): chr15:40,418,192, G>T. VCF-style: chr15-40418192-G-T. GRCh37 (hg19) VCF-style: chr15-40710391-G-T.
Other names: c.1111G>T, p.Glu371Ter (NM_001159508.3); c.1153G>T, p.Glu385Ter (NM_001354597.3); c.1288G>T, p.Glu430Ter (NM_001354599.3); c.1225+1830G>T (NM_001354600.3); c.1138+1830G>T (NM_001354598.3, NM_001354601.3); c.1210G>T (NM_002225.3); short protein forms E385*, E401*, E371*, E430*.
Identifiers: ClinVar variation 3645873 (VCV003645873.3).